The following is an entry in ClinVar:

ClinVar aggregate classification (germline): Pathogenic (1 of 4 stars; one submission).

Conditions:
Primary ciliary dyskinesia. Also called: Ciliary dyskinesia. Identifiers: Orphanet 244, MedGen C0008780, MONDO:0016575, HP:0012265.

Submission:

Labcorp Genetics (formerly Invitae), Labcorp
Classification: Pathogenic for Primary ciliary dyskinesia. Last evaluated: 2023-04-26. Review status: criteria provided, single submitter. Criteria: Invitae Variant Classification Sherloc (09022015). Collection method: clinical testing. Allele origin: germline.
Comment: This sequence change creates a premature translational stop signal (p.Asp35*) in the RPGR gene. It is expected to result in an absent or disrupted protein product. Loss-of-function variants in RPGR are known to be pathogenic (PMID: 16055928, 16969763). This variant is not present in population databases (gnomAD no frequency). This variant has not been reported in the literature in individuals affected with RPGR-related conditions. For these reasons, this variant has been classified as Pathogenic.

Literature cited by the submitters: PubMed 16055928; PubMed 16969763.

NM_001034853.2(RPGR):c.101_102insC (p.Asn34_Asp35insTer)

Gene: RPGR (retinitis pigmentosa GTPase regulator; minus strand). Cytogenetic location: Xp11.4.
Variant type: Insertion.
Coding change: c.101_102insC on transcript NM_001034853.2 (MANE Select); coding-DNA positions 101 to 102, C inserted.
Protein change: p.Asn34_Asp35insTer.
Molecular consequence: frameshift variant. On other transcripts: non-coding transcript variant (6).
Genome position: GRCh38 VCF-style: chrX-38323451-A-AG. GRCh37 (hg19) VCF-style: chrX-38182704-A-AG.
Other names: c.101_102insC, p.Asn34_Asp35insTer (NM_000328.3, NM_001367245.1, NM_001367246.1 and 4 more transcripts); c.131_132insC, p.Asn44_Asp45insTer (NM_001367248.1).
Identifiers: ClinVar variation 2859644 (VCV002859644.3), dbSNP rs2519912308, ClinGen allele CA2739273428.